The following is an entry in ClinVar:

NM_006035.4(CDC42BPB):c.3294C>G (p.Tyr1098Ter)

Gene: CDC42BPB (CDC42 binding protein kinase beta; minus strand). Cytogenetic location: 14q32.32.
Variant type: single nucleotide variant.
Coding change: c.3294C>G on transcript NM_006035.4 (MANE Select); coding-DNA position 3294, C replaced by G.
Protein change: p.Tyr1098Ter; replaces tyrosine 1098 with a stop codon.
Molecular consequence: nonsense.
Genome position (GRCh38, 1-based): chr14:102,950,481, G>C on the plus strand (C>G on the coding strand, the complement: CDC42BPB is on the minus strand). VCF-style: chr14-102950481-G-C. GRCh37 (hg19) VCF-style: chr14-103416818-G-C.
Other names: c.3216C>G, p.Tyr1072Ter (NM_001411054.1); short protein forms Y1072*, Y1098*.
Identifiers: ClinVar variation 3374852 (VCV003374852.1).

ClinVar aggregate classification (germline): Pathogenic (1 of 4 stars; one submission).

Conditions:
Chilton-Okur-Chung neurodevelopmental syndrome (CHOCNS). Identifiers: MedGen C5677022, MONDO:0859239, OMIM 619841.

Submission:

Women's Health and Genetics/Laboratory Corporation of America, LabCorp
Classification: Pathogenic for Chilton-Okur-Chung neurodevelopmental syndrome. Last evaluated: 2024-09-12. Review status: criteria provided, single submitter. Criteria: LabCorp Variant Classification Summary - May 2015. Collection method: clinical testing. Allele origin: germline.
Comment: Variant summary: CDC42BPB c.3294C>G (p.Tyr1098X) results in a premature termination codon, predicted to cause absence of the protein due to nonsense mediated decay, which is a commonly known mechanism for disease (PMID 32031333). The variant was absent in 249828 control chromosomes. To our knowledge, no occurrence of c.3294C>G in individuals affected with Chilton-Okur Neurodevelopmental Syndrome and no experimental evidence demonstrating its impact on protein function have been reported. No submitters have cited clinical-significance assessments for this variant to ClinVar. Based on the evidence outlined above, the variant was classified as pathogenic.